The following is an entry in ClinVar:

ClinVar aggregate classification (germline): Likely pathogenic (1 of 4 stars; one submission).

Conditions:
Holoprosencephaly 3 (HPE3). Identifiers: Orphanet 2162, MedGen C1840529, MONDO:0007733, OMIM 142945.

Submission:

Laboratory of Molecular Genetics, CHU Rennes
Classification: Likely pathogenic for Holoprosencephaly 3. Last evaluated: 2025-02-27. Review status: criteria provided, single submitter. Criteria: ACMG Guidelines, 2015. Collection method: clinical testing. Allele origin: unknown. Inheritance: Autosomal dominant inheritance. Affected: yes.
Comment: In summary, this variant meets criteria to be classified as likely pathogenic for holoprosencephaly based on the ACMG criteria applied (PM1, PM2, PP3, PP4).

NM_000193.4(SHH):c.653T>C (p.Leu218Pro)

Gene: SHH (sonic hedgehog signaling molecule; minus strand). Cytogenetic location: 7q36.3.
Variant type: single nucleotide variant.
Coding change: c.653T>C on transcript NM_000193.4 (MANE Select); coding-DNA position 653, T replaced by C.
Protein change: p.Leu218Pro; replaces leucine 218 with proline.
Molecular consequence: missense variant. On other transcripts: intron variant (1).
Genome position (GRCh38, 1-based): chr7:155,803,636, A>G on the plus strand (T>C on the coding strand, the complement: SHH is on the minus strand). VCF-style: chr7-155803636-A-G. GRCh37 (hg19) VCF-style: chr7-155596330-A-G.
Other names: c.301+2660T>C (NM_001310462.2); short protein forms L218P.
Identifiers: ClinVar variation 3775150 (VCV003775150.1).